The following is an entry in ClinVar:

NM_000701.8(ATP1A1):c.979ATC[1] (p.Ile328del)

Gene: ATP1A1 (ATPase Na+/K+ transporting subunit alpha 1; plus strand). Cytogenetic location: 1p13.1.
Variant type: Microsatellite.
Coding change: c.979ATC[1] on transcript NM_000701.8 (MANE Select); one copy of the 3-base unit ATC starting at c.979; the reference has two copies in a row; one copy, 3 bases deleted.
Protein change: p.Ile328del; deletes isoleucine 328.
Molecular consequence: inframe deletion.
Genome position (GRCh38, 1-based): chr1:116,389,666-116,389,668, ATC deleted; deleting any 3 consecutive bases within chr1:116,389,663-116,389,668 gives the same sequence; the position shown is the placement nearest the transcript's 3' end. VCF-style (leftmost placement, unchanged base first): chr1-116389662-TATC-T. GRCh37 (hg19) VCF-style: chr1-116932284-TATC-T.
Other names: c.979ATC[1], p.Ile328del (NM_001160233.2); c.886ATC[1], p.Ile297del (NM_001160234.2); short protein forms I297del, I328del.
Identifiers: ClinVar variation 3257339 (VCV003257339.17).

ClinVar aggregate classification (germline): Uncertain significance (1 of 4 stars; one submission).

Submission:

CeGaT Center for Human Genetics Tuebingen
Classification: Uncertain significance. Last evaluated: 2024-07-01. Review status: criteria provided, single submitter. Criteria: CeGaT Center For Human Genetics Tuebingen Variant Classification Criteria Version 2. Collection method: clinical testing. Allele origin: germline. Affected: yes. Observed: 1 variant allele.
Comment: ATP1A1: PM2, PM4:Supporting